The following is an entry in ClinVar:

ClinVar aggregate classification (germline): Uncertain significance. Review status: criteria provided, multiple submitters, no conflicts (2 of 4 stars). 6 submissions from 6 submitters: Uncertain significance (5). 1 of the submissions does not count toward it. Last evaluated 2025-11-25.

Conditions:
Usher syndrome type 1 (USH1). Also called: RETINITIS PIGMENTOSA AND CONGENITAL DEAFNESS. Identifiers: Orphanet 231169, Orphanet 886, MedGen C1568247, MONDO:0010168, OMIM 276900.
Inborn genetic diseases. Identifiers: MedGen C0950123, MeSH D030342.

Allele frequency attached by ClinVar (database versions not stated): TOPMed below 0.00001; gnomAD exomes 0.00002 and 0.00004; ExAC 0.00003.
gnomAD v4.1: 13 of 1,611,406 alleles (0.00081%); highest among the groups gnomAD compares: Admixed American, 0.02%; no homozygotes.

Submissions (6):

GeneDx
Classification: Uncertain significance. Last evaluated: 2025-11-25. Review status: criteria provided, single submitter. Criteria: GeneDx Variant Classification Process June 2021. Collection method: clinical testing. Allele origin: germline. Affected: yes.
Comment: In silico analysis supports that this missense variant has a deleterious effect on protein structure/function; Has not been previously published as pathogenic or benign to our knowledge

Women's Health and Genetics/Laboratory Corporation of America, LabCorp
Classification: Uncertain significance. Last evaluated: 2025-10-30. Review status: criteria provided, single submitter. Criteria: LabCorp Variant Classification Summary - May 2015. Collection method: clinical testing. Allele origin: germline.
Comment: Variant summary: CDH23 c.623C>T (p.Thr208Ile) results in a non-conservative amino acid change in the encoded protein sequence. Algorithms developed to predict the effect of missense changes on protein structure and function are either unavailable or do not agree on the potential impact of this missense change. Consensus agreement among computation tools predict no significant impact on normal splicing. However, these predictions have yet to be confirmed by functional studies. The variant allele was found at a frequency of 4.5e-05 in 246158 control chromosomes. This frequency is not significantly higher than estimated for disease-causing variants in CDH23, allowing no conclusion about variant significance. To our knowledge, no occurrence of c.623C>T in individuals affected with CDH23-related conditions and no experimental evidence demonstrating its impact on protein function have been reported. ClinVar contains an entry for this variant (Variation ID: 666805). Based on the evidence outlined above, the variant was classified as uncertain significance.

Labcorp Genetics (formerly Invitae), Labcorp
Classification: Uncertain significance. Last evaluated: 2025-08-31. Review status: criteria provided, single submitter. Criteria: Invitae Variant Classification Sherloc (09022015). Collection method: clinical testing. Allele origin: germline.
Comment: This sequence change replaces threonine, which is neutral and polar, with isoleucine, which is neutral and non-polar, at codon 208 of the CDH23 protein (p.Thr208Ile). This variant is present in population databases (rs749123528, gnomAD 0.03%). This variant has not been reported in the literature in individuals affected with CDH23-related conditions. ClinVar contains an entry for this variant (Variation ID: 666805). Experimental studies and prediction algorithms are not available or were not evaluated, and the functional significance of this variant is currently unknown. In summary, the available evidence is currently insufficient to determine the role of this variant in disease. Therefore, it has been classified as a Variant of Uncertain Significance.

Ambry Genetics
Classification: Uncertain significance for Inborn genetic diseases. Last evaluated: 2025-04-20. Review status: criteria provided, single submitter. Criteria: Ambry Variant Classification Scheme 2023. Collection method: clinical testing. Allele origin: germline.

Laboratory for Molecular Medicine, Mass General Brigham Personalized Medicine
Classification: Uncertain significance. Last evaluated: 2018-10-09. Review status: criteria provided, single submitter. Criteria: LMM Criteria. Collection method: clinical testing. Allele origin: germline. Observed: 1 variant allele.
Comment: The p.Thr208Ile variant in CDH23 has not been previously reported in individuals with hearing loss or Usher syndrome, but has been reported in 0.03% (11/33536) of Latino chromosomes by gnomAD. Computationa l prediction tools and conservation analysis do not provide strong support for o r against an impact to the protein. This variant is located in the last three ba ses of the exon, which is part of the 5? splice region. Computational tools do n ot predict altered splicing, though this information is not predictive enough to rule out pathogenicity. In summary, the clinical significance of the p.Thr208Il e variant is uncertain. ACMG/AMP Criteria applied: PM2_Supporting.

Natera, Inc.
Classification: Uncertain significance for Usher syndrome type 1. Last evaluated: 2020-07-29. Review status: no assertion criteria provided. Collection method: clinical testing. Allele origin: germline. Not counted in ClinVar's aggregate classification.

NM_022124.6(CDH23):c.623C>T (p.Thr208Ile)

Gene: CDH23 (cadherin related 23; plus strand). Cytogenetic location: 10q22.1.
Variant type: single nucleotide variant.
Coding change: c.623C>T on transcript NM_022124.6 (MANE Select); coding-DNA position 623, C replaced by T.
Protein change: p.Thr208Ile; replaces threonine 208 with isoleucine.
Molecular consequence: missense variant.
Genome position (GRCh38, 1-based): chr10:71,566,935, C>T. VCF-style: chr10-71566935-C-T. GRCh37 (hg19) VCF-style: chr10-73326692-C-T.
Other names: c.623C>T, p.Thr208Ile (NM_001171930.2, NM_001171931.2, NM_001171932.2 and 1 more transcripts); short protein forms T208I.
Identifiers: ClinVar variation 666805 (VCV000666805.14), dbSNP rs749123528, ClinGen allele CA5543489.